The following is an entry in ClinVar:

NM_000632.4(ITGAM):c.1709G>A (p.Arg570Gln)

Gene: ITGAM (integrin subunit alpha M; plus strand). Cytogenetic location: 16p11.2.
Variant type: single nucleotide variant.
Coding change: c.1709G>A on transcript NM_000632.4 (MANE Select); coding-DNA position 1709, G replaced by A.
Protein change: p.Arg570Gln; replaces arginine 570 with glutamine.
Molecular consequence: missense variant.
Genome position (GRCh38, 1-based): chr16:31,321,242, G>A. VCF-style: chr16-31321242-G-A. GRCh37 (hg19) VCF-style: chr16-31332563-G-A.
Other names: c.1712G>A, p.Arg571Gln (NM_001145808.2); short protein forms R570Q, R571Q.
Identifiers: ClinVar variation 1393075 (VCV001393075.6), dbSNP rs753921725, ClinGen allele CA8025644.

ClinVar aggregate classification (germline): Uncertain significance (1 of 4 stars; one submission).

Allele frequency attached by ClinVar (database versions not stated): gnomAD 0.00001; TOPMed 0.00002.
gnomAD v4.1: 33 of 1,613,616 alleles (0.002%); highest among the groups gnomAD compares: South Asian, 0.0033%; no homozygotes.

Submission:

Labcorp Genetics (formerly Invitae), Labcorp
Classification: Uncertain significance. Last evaluated: 2025-02-19. Review status: criteria provided, single submitter. Criteria: Invitae Variant Classification Sherloc (09022015). Collection method: clinical testing. Allele origin: germline.
Comment: This sequence change replaces arginine, which is basic and polar, with glutamine, which is neutral and polar, at codon 570 of the ITGAM protein (p.Arg570Gln). This variant is present in population databases (rs753921725, gnomAD 0.004%). This variant has not been reported in the literature in individuals affected with ITGAM-related conditions. ClinVar contains an entry for this variant (Variation ID: 1393075). An algorithm developed to predict the effect of missense changes on protein structure and function (PolyPhen-2) suggests that this variant is likely to be disruptive. Algorithms developed to predict the effect of sequence changes on RNA splicing suggest that this variant may create or strengthen a splice site. In summary, the available evidence is currently insufficient to determine the role of this variant in disease. Therefore, it has been classified as a Variant of Uncertain Significance.